The following is an entry in ClinVar:

ClinVar aggregate classification (germline): Uncertain significance (1 of 4 stars; one submission).

Submission:

Labcorp Genetics (formerly Invitae), Labcorp
Classification: Uncertain significance. Last evaluated: 2024-02-24. Review status: criteria provided, single submitter. Criteria: Invitae Variant Classification Sherloc (09022015). Collection method: clinical testing. Allele origin: germline.
Comment: This sequence change replaces serine, which is neutral and polar, with cysteine, which is neutral and slightly polar, at codon 12 of the RPL19 protein (p.Ser12Cys). This variant is present in population databases (no rsID available, gnomAD 0.006%). This variant has not been reported in the literature in individuals affected with RPL19-related conditions. ClinVar contains an entry for this variant (Variation ID: 1986140). An algorithm developed to predict the effect of missense changes on protein structure and function (PolyPhen-2) suggests that this variant is likely to be disruptive. In summary, the available evidence is currently insufficient to determine the role of this variant in disease. Therefore, it has been classified as a Variant of Uncertain Significance.

NM_000981.4(RPL19):c.35C>G (p.Ser12Cys)

Gene: RPL19 (ribosomal protein L19; plus strand). Cytogenetic location: 17q12.
Variant type: single nucleotide variant.
Coding change: c.35C>G on transcript NM_000981.4 (MANE Select); coding-DNA position 35, C replaced by G.
Protein change: p.Ser12Cys; replaces serine 12 with cysteine.
Molecular consequence: missense variant.
Genome position (GRCh38, 1-based): chr17:39,201,242, C>G. VCF-style: chr17-39201242-C-G. GRCh37 (hg19) VCF-style: chr17-37357495-C-G.
Other names: c.29C>G, p.Ser10Cys (NM_001330200.1); short protein forms S12C, S10C.
Identifiers: ClinVar variation 1986140 (VCV001986140.4), dbSNP rs781087581, ClinGen allele CA290376136.